The following is an entry in ClinVar:

NM_000090.4(COL3A1):c.413dup (p.Gly139fs)

Gene: COL3A1 (collagen type III alpha 1 chain; plus strand). Cytogenetic location: 2q32.2.
Variant type: Duplication.
Coding change: c.413dup on transcript NM_000090.4 (MANE Select); coding-DNA position 413, one base duplicated (C; older notation c.413dupC).
Protein change: p.Gly139fs; shifts the reading frame from glycine 139.
Molecular consequence: frameshift variant.
Genome position (GRCh38, 1-based): chr2:188,985,744, C duplicated; the last of 6 consecutive C bases (chr2:188,985,739-188,985,744); duplicating any one gives the same sequence. VCF-style (leftmost placement, unchanged base first): chr2-188985738-G-GC. GRCh37 (hg19) VCF-style: chr2-189850464-G-GC.
Other names: c.413dupC (NM_000090.3); short protein forms G139fs.
Identifiers: ClinVar variation 1434799 (VCV001434799.7), dbSNP rs587779707, ClinGen allele CA645527363.
Genomic context (GRCh38, chr2:188,985,738, plus strand): 5'-TTCCTGGGAGAAATGGTGACCCTGGTATTCCAGGACAACCAGGGTCCCCTGGTTCTCCTG[G>GC]CCCCCCTGGAATCTGTGAATCATGCCCTACTGGTCCTCAGGTATAACAATTACGGTACTT-3'

ClinVar aggregate classification (germline): Pathogenic. Review status: criteria provided, multiple submitters, no conflicts (2 of 4 stars). 2 submissions from 2 submitters: Pathogenic (2). Last evaluated 2024-11-21.

Conditions:
Ehlers-Danlos syndrome, type 4 (EDSVASC). Also called: Ehlers-Danlos syndrome vascular type; Ehlers Danlos syndrome, ecchymotic type; Ehlers Danlos syndrome, arterial type; Ehlers Danlos syndrome, Sack-Barabas type; Ehlers-Danlos Syndrome Type IV. Identifiers: Orphanet 286, MedGen C0268338, MONDO:0017314, OMIM 130050.
Familial thoracic aortic aneurysm and aortic dissection (TAAD). Also called: Thoracic aortic aneurysms and dissections. Identifiers: Orphanet 91387, MedGen C4707243, MONDO:0019625.

Submissions (2):

Ambry Genetics
Classification: Pathogenic for Familial thoracic aortic aneurysm and aortic dissection. Last evaluated: 2024-11-21. Review status: criteria provided, single submitter. Criteria: Ambry Variant Classification Scheme 2023. Collection method: clinical testing. Allele origin: germline.
Comment: The c.413dupC pathogenic mutation, located in coding exon 4 of the COL3A1 gene, results from a duplication of C at nucleotide position 413, causing a translational frameshift with a predicted alternate stop codon (p.G139Wfs*4). This variant is considered to be rare based on population cohorts in the Genome Aggregation Database (gnomAD). This alteration is expected to result in loss of function by premature protein truncation or nonsense-mediated mRNA decay. As such, this alteration is interpreted as a disease-causing mutation.

Labcorp Genetics (formerly Invitae), Labcorp
Classification: Pathogenic for Ehlers-Danlos syndrome, type 4. Last evaluated: 2021-01-08. Review status: criteria provided, single submitter. Criteria: Invitae Variant Classification Sherloc (09022015). Collection method: clinical testing. Allele origin: germline.
Comment: This sequence change creates a premature translational stop signal (p.Gly139Trpfs*4) in the COL3A1 gene. It is expected to result in an absent or disrupted protein product. Loss-of-function variants in COL3A1 are known to be pathogenic (PMID: 24922459). This variant is not present in population databases (ExAC no frequency). This variant has not been reported in the literature in individuals with COL3A1-related conditions. For these reasons, this variant has been classified as Pathogenic.

Literature cited by the submitters: PubMed 24922459 (cited by Labcorp Genetics (formerly Invitae), Labcorp).